The following is an entry in ClinVar:

ClinVar aggregate classification (germline): Likely pathogenic (1 of 4 stars; one submission).

Conditions:
Fanconi anemia (FA). Also called: Fanconi's anemia. Identifiers: Orphanet 84, MedGen C0015625, MeSH D005199, MONDO:0019391.

Submission:

Labcorp Genetics (formerly Invitae), Labcorp
Classification: Likely pathogenic for Fanconi anemia. Last evaluated: 2022-11-20. Review status: criteria provided, single submitter. Criteria: Invitae Variant Classification Sherloc (09022015). Collection method: clinical testing. Allele origin: germline.
Comment: In summary, the currently available evidence indicates that the variant is pathogenic, but additional data are needed to prove that conclusively. Therefore, this variant has been classified as Likely Pathogenic. Algorithms developed to predict the effect of sequence changes on RNA splicing suggest that this variant may disrupt the consensus splice site. Disruption of this splice site has been observed in individual(s) with Fanconi anemia (PMID: 15643609, 25953249). This variant is not present in population databases (gnomAD no frequency). This sequence change affects a donor splice site in intron 31 of the FANCA gene. It is expected to disrupt RNA splicing. Variants that disrupt the donor or acceptor splice site typically lead to a loss of protein function (PMID: 16199547), and loss-of-function variants in FANCA are known to be pathogenic (PMID: 19367192).

Literature cited by the submitters: PubMed 15643609; PubMed 25953249; PubMed 16199547; PubMed 19367192.

NM_000135.4(FANCA):c.3066+1G>C

Gene: FANCA (FA complementation group A; minus strand). Cytogenetic location: 16q24.3.
Variant type: single nucleotide variant.
Coding change: c.3066+1G>C on transcript NM_000135.4 (MANE Select); the canonical splice donor site of the intron after coding-DNA position 3066, G replaced by C.
Molecular consequence: splice donor variant.
Genome position (GRCh38, 1-based): chr16:89,752,137, C>G on the plus strand (G>C on the coding strand, the complement: FANCA is on the minus strand). VCF-style: chr16-89752137-C-G. GRCh37 (hg19) VCF-style: chr16-89818545-C-G.
Other names: c.3066+1G>C (NM_001286167.3).
Identifiers: ClinVar variation 2809648 (VCV002809648.3), dbSNP rs587783028, ClinGen allele CA397425866.